The following is an entry in ClinVar:

ClinVar aggregate classification (germline): Uncertain significance (1 of 4 stars; one submission).

Conditions:
Multiple endocrine neoplasia, type 2 (MEN2). Identifiers: Orphanet 653, MedGen C4048306, MONDO:0019003. Disease mechanism: gain of function.

Submission:

Labcorp Genetics (formerly Invitae), Labcorp
Classification: Uncertain significance for Multiple endocrine neoplasia, type 2. Last evaluated: 2024-03-07. Review status: criteria provided, single submitter. Criteria: Invitae Variant Classification Sherloc (09022015). Collection method: clinical testing. Allele origin: germline.
Comment: This sequence change replaces glycine, which is neutral and non-polar, with valine, which is neutral and non-polar, at codon 607 of the RET protein (p.Gly607Val). This variant is not present in population databases (gnomAD no frequency). This variant has not been reported in the literature in individuals affected with RET-related conditions. An algorithm developed to predict the effect of missense changes on protein structure and function (PolyPhen-2) suggests that this variant is likely to be disruptive. In summary, the available evidence is currently insufficient to determine the role of this variant in disease. Therefore, it has been classified as a Variant of Uncertain Significance.

NM_020975.6(RET):c.1820G>T (p.Gly607Val)

Gene: RET (ret proto-oncogene; plus strand). Cytogenetic location: 10q11.21.
Variant type: single nucleotide variant.
Coding change: c.1820G>T on transcript NM_020975.6 (MANE Select); coding-DNA position 1820, G replaced by T.
Protein change: p.Gly607Val; replaces glycine 607 with valine.
Molecular consequence: missense variant. On other transcripts: intron variant (2).
Genome position (GRCh38, 1-based): chr10:43,113,616, G>T. VCF-style: chr10-43113616-G-T. GRCh37 (hg19) VCF-style: chr10-43609064-G-T.
Other names: c.1058G>T, p.Gly353Val (NM_001355216.2); c.1820G>T, p.Gly607Val (NM_001406743.1, NM_001406760.1, NM_001406763.1 and 4 more transcripts); c.1691G>T, p.Gly564Val (NM_001406761.1, NM_001406762.1, NM_001406764.1 and 1 more transcripts); c.1424G>T, p.Gly475Val (NM_001406769.1, NM_001406772.1); c.1532G>T, p.Gly511Val (NM_001406770.1, NM_001406766.1, NM_001406767.1); c.923G>T, p.Gly308Val (NM_001406787.1, NM_001406779.1, NM_001406780.1 and 2 more transcripts); c.635G>T, p.Gly212Val (NM_001406788.1, NM_001406789.1, NM_001406790.1); c.371G>T, p.Gly124Val (NM_001406792.1, NM_001406793.1, NM_001406794.1); and 7 more; short protein forms G212V, G432V, G564V, G124V, G365V, G461V, G511V, G607V.
Identifiers: ClinVar variation 3632667 (VCV003632667.2).